The following is an entry in ClinVar:

ClinVar aggregate classification (germline): Benign/Likely benign. Review status: criteria provided, multiple submitters, no conflicts (2 of 4 stars). 6 submissions from 6 submitters: Benign (1); Likely benign (4). 1 of the submissions does not count toward it. Last evaluated 2026-01-06.

Conditions:
Inborn genetic diseases. Identifiers: MedGen C0950123, MeSH D030342.
Charcot-Marie-Tooth disease. Also called: Charcot-Marie-Tooth Hereditary Neuropathy; Charcot-Marie-Tooth Neuropathy. Identifiers: Orphanet 166, MedGen C0007959, MONDO:0015626.
Neuronopathy, distal hereditary motor, autosomal recessive 5. Also called: Spinal muscular atrophy, distal, autosomal recessive, 5; Young adult-onset distal hereditary motor neuropathy; NEUROPATHY, DISTAL HEREDITARY MOTOR, AUTOSOMAL RECESSIVE 5. Identifiers: Orphanet 314485, Orphanet 443950, MedGen C4749918, MONDO:0013947, OMIM 614881.
DNAJB2-related disorder. Also called: DNAJB2-related condition.

Allele frequency attached by ClinVar (database versions not stated): gnomAD 0.00165 and 0.00175; TOPMed 0.00184; 1000 Genomes Project 0.00220; 1000 Genomes Project 30x 0.00234; ESP Exome Variant Server 0.00261.
gnomAD v4.1: 553 of 1,614,184 alleles (0.034%); highest among the groups gnomAD compares: African/African-American, 0.63%; 6 homozygotes.

Submissions (6):

Women's Health and Genetics/Laboratory Corporation of America, LabCorp
Classification: Likely benign. Last evaluated: 2026-01-06. Review status: criteria provided, single submitter. Criteria: LabCorp Variant Classification Summary - May 2015. Collection method: clinical testing. Allele origin: germline.
Comment: Variant summary: DNAJB2 c.298G>A (p.Glu100Lys) results in a conservative amino acid change in the encoded protein sequence. Algorithms developed to predict the effect of missense changes on protein structure and function are either unavailable or do not agree on the potential impact of this missense change. The variant allele was found at a frequency of 0.00038 in 251464 control chromosomes, predominantly at a frequency of 0.0052 within the African or African-American subpopulation in the gnomAD database, including 2 homozygotes. The observed variant frequency within African or African-American control individuals in the gnomAD database exceeds the estimated maximal expected allele frequency for disease-causing variants in DNAJB2. To our knowledge, no occurrence of c.298G>A in individuals affected with DNAJB2-related conditions and no experimental evidence demonstrating its impact on protein function have been reported. ClinVar contains an entry for this variant (Variation ID: 473302). Based on the evidence outlined above, the variant was classified as likely benign.

Labcorp Genetics (formerly Invitae), Labcorp
Classification: Benign for Neuronopathy, distal hereditary motor, autosomal recessive 5. Last evaluated: 2026-01-02. Review status: criteria provided, single submitter. Criteria: Invitae Variant Classification Sherloc (09022015). Collection method: clinical testing. Allele origin: germline.

GeneDx
Classification: Likely benign. Last evaluated: 2020-08-13. Review status: criteria provided, single submitter. Criteria: GeneDx Variant Classification Process June 2021. Collection method: clinical testing. Allele origin: germline. Affected: yes.

Ambry Genetics
Classification: Likely benign for Inborn genetic diseases. Last evaluated: 2020-02-25. Review status: criteria provided, single submitter. Criteria: Ambry Variant Classification Scheme 2023. Collection method: clinical testing. Allele origin: germline.

Molecular Genetics Laboratory, London Health Sciences Centre
Classification: Likely benign for Charcot-Marie-Tooth disease. Review status: criteria provided, single submitter. Criteria: ACMG Guidelines, 2015. Collection method: clinical testing. Allele origin: germline. Affected: yes.

PreventionGenetics, part of Exact Sciences
Classification: Likely benign for DNAJB2-related condition. Last evaluated: 2024-05-21. Review status: no assertion criteria provided. Collection method: clinical testing. Allele origin: germline. Not counted in ClinVar's aggregate classification.
Comment: This variant is classified as likely benign based on ACMG/AMP sequence variant interpretation guidelines (Richards et al. 2015 PMID: 25741868, with internal and published modifications).

NM_006736.6(DNAJB2):c.298G>A (p.Glu100Lys)

Gene: DNAJB2 (DnaJ heat shock protein family (Hsp40) member B2; plus strand). Cytogenetic location: 2q35.
Variant type: single nucleotide variant.
Coding change: c.298G>A on transcript NM_006736.6 (MANE Select); coding-DNA position 298, G replaced by A.
Protein change: p.Glu100Lys; replaces glutamic acid 100 with lysine.
Molecular consequence: missense variant.
Genome position (GRCh38, 1-based): chr2:219,282,007, G>A. VCF-style: chr2-219282007-G-A. GRCh37 (hg19) VCF-style: chr2-220146729-G-A.
Other names: c.298G>A, p.Glu100Lys (NM_001039550.2); short protein forms E100K.
Identifiers: ClinVar variation 473302 (VCV000473302.20), dbSNP rs139406455, ClinGen allele CA2122903.
Genomic context (GRCh38, chr2:219,282,007, plus strand): 5'-CCATCTCGGGCAGAAGCTGGCAGTGGTGGGCCTGGCTTCACCTTCACCTTCCGCAGCCCC[G>A]AGGAGGTCTTCCGGGAATTCTTTGGGAGTGGAGACCCTTTTGCAGAGCTCTTTGGTGAGT-3'
Protein context (NP_006727.2, residues 90-110): PGFTFTFRSP[Glu100Lys]EVFREFFGSG